The following is an entry in ClinVar:

NM_017852.5(NLRP2):c.3155C>A (p.Ala1052Glu)

Gene: NLRP2 (NLR family pyrin domain containing 2; plus strand). Cytogenetic location: 19q13.42.
Variant type: single nucleotide variant.
Coding change: c.3155C>A on transcript NM_017852.5 (MANE Select); coding-DNA position 3155, C replaced by A.
Protein change: p.Ala1052Glu; replaces alanine 1052 with glutamic acid.
Molecular consequence: missense variant. On other transcripts: non-coding transcript variant (1).
Genome position (GRCh38, 1-based): chr19:55,000,864, C>A. VCF-style: chr19-55000864-C-A. GRCh37 (hg19) VCF-style: chr19-55512232-C-A.
Other names: c.3155C>A, p.Ala1052Glu (NM_001174081.3); c.3089C>A, p.Ala1030Glu (NM_001174082.3); c.3086C>A, p.Ala1029Glu (NM_001174083.2); c.3146C>A, p.Ala1049Glu (NM_001348003.2); c.3155C>A (NM_001174081.2); short protein forms A1029E, A1030E, A1049E, A1052E.
Identifiers: ClinVar variation 1262342 (VCV001262342.5), dbSNP rs1043673, ClinGen allele CA310115460.
Genomic context (GRCh38, chr19:55,000,864, plus strand): 5'-AAGAAATAGAAGAAAAAAACCCACAACTGATTATTGATACTGAGAAACATCATCCCTGGG[C>A]AGAAAGGCCTTCTTCTCATGACTTCATGATCTGAATCCCCCCGAGTCATTCATTCTCCAT-3'
Protein context (NP_060322.1, residues 1042-1062): IIDTEKHHPW[Ala1052Glu]ERPSSHDFMI

ClinVar aggregate classification (germline): Benign. Review status: criteria provided, multiple submitters, no conflicts (2 of 4 stars). 3 submissions from 3 submitters: Benign (2). 1 of the submissions does not count toward it. Last evaluated 2020-04-29.

Conditions:
NLRP2-related disorder. Also called: NLRP2-related condition.

Allele frequency attached by ClinVar (database versions not stated): 1000 Genomes Project 0.32987; 1000 Genomes Project 30x 0.33151; ExAC 0.36365; gnomAD exomes 0.36957; gnomAD 0.38516 and 0.38995; ESP Exome Variant Server 0.39067; TOPMed 0.38906.
gnomAD v4.1: 625,412 of 1,610,266 alleles (39%); highest among the groups gnomAD compares: Middle Eastern, 44%; 123,608 homozygotes.

Submissions (3):

GeneDx
Classification: Benign. Last evaluated: 2020-04-29. Review status: criteria provided, single submitter. Criteria: GeneDx Variant Classification Process June 2021. Collection method: clinical testing. Allele origin: germline. Affected: yes.
Comment: This variant is associated with the following publications: (PMID: 23644288)

Breakthrough Genomics
Classification: Benign. Review status: criteria provided, single submitter. Criteria: ACMG Guidelines, 2015. Collection method: not provided. Allele origin: germline. Inheritance: Unknown mechanism. Affected: yes.

PreventionGenetics, part of Exact Sciences
Classification: Benign for NLRP2-related condition. Last evaluated: 2024-03-06. Review status: no assertion criteria provided. Collection method: clinical testing. Allele origin: germline. Not counted in ClinVar's aggregate classification.
Comment: This variant is classified as benign based on ACMG/AMP sequence variant interpretation guidelines (Richards et al. 2015 PMID: 25741868, with internal and published modifications).